The following is an entry in ClinVar:

NM_005908.4(MANBA):c.693G>A (p.Trp231Ter)

Gene: MANBA (mannosidase beta; minus strand). Cytogenetic location: 4q24.
Variant type: single nucleotide variant.
Coding change: c.693G>A on transcript NM_005908.4 (MANE Select); coding-DNA position 693, G replaced by A.
Protein change: p.Trp231Ter; replaces tryptophan 231 with a stop codon.
Molecular consequence: nonsense.
Genome position (GRCh38, 1-based): chr4:102,690,752, C>T on the plus strand (G>A on the coding strand, the complement: MANBA is on the minus strand). VCF-style: chr4-102690752-C-T. GRCh37 (hg19) VCF-style: chr4-103611909-C-T.
Other names: short protein forms W231*.
Identifiers: ClinVar variation 632877 (VCV000632877.6), dbSNP rs763849774, ClinGen allele CA3027126.

ClinVar aggregate classification (germline): Pathogenic. Review status: criteria provided, multiple submitters, no conflicts (2 of 4 stars). 3 submissions from 3 submitters: Pathogenic (3). Last evaluated 2026-09-01.

Conditions:
MANBA-related disorder. Also called: MANBA-related condition.
Beta-D-mannosidosis (MANSB). Also called: MANNOSIDOSIS, BETA A, LYSOSOMAL; BETA-MANNOSIDASE DEFICIENCY; LYSOSOMAL BETA-MANNOSIDASE DEFICIENCY; Beta-Mannosidosis. Identifiers: Orphanet 118, MedGen C4048196, MONDO:0009562, OMIM 248510.

Allele frequency attached by ClinVar (database versions not stated): gnomAD 0.00001 and 0.00002; ExAC 0.00002; gnomAD exomes 0.00002; TOPMed 0.00005.
gnomAD v4.1: 32 of 1,567,472 alleles (0.002%); highest among the groups gnomAD compares: Non-Finnish European, 0.0026%; no homozygotes.

Submissions (3):

PreventionGenetics, part of Exact Sciences
Classification: Pathogenic for MANBA-related condition. Last evaluated: 2026-09-01. Review status: criteria provided, single submitter. Criteria: ACMG Guidelines, 2015. Collection method: clinical testing. Allele origin: germline.
Comment: The MANBA c.693G>A variant is predicted to result in premature protein termination (p.Trp231*). This variant has been reported in the homozygous state in an individual with beta-mannosidosis (Molho-Pessach et al. 2007. PubMed ID: 17420068). This variant is reported in 0.0048% of alleles in individuals of European (Non-Finnish) descent in gnomAD. Nonsense variants in MANBA are expected to be pathogenic. This variant is interpreted as pathogenic.

Labcorp Genetics (formerly Invitae), Labcorp
Classification: Pathogenic for Beta-D-mannosidosis. Last evaluated: 2025-09-10. Review status: criteria provided, single submitter. Criteria: Invitae Variant Classification Sherloc (09022015). Collection method: clinical testing. Allele origin: germline.
Comment: This sequence change creates a premature translational stop signal (p.Trp231*) in the MANBA gene. It is expected to result in an absent or disrupted protein product. Loss-of-function variants in MANBA are known to be pathogenic (PMID: 9384606, 12468273). This variant is present in population databases (rs763849774, gnomAD 0.005%). This premature translational stop signal has been observed in individual(s) with beta-mannosidosis (PMID: 17420068). ClinVar contains an entry for this variant (Variation ID: 632877). For these reasons, this variant has been classified as Pathogenic.

Women's Health and Genetics/Laboratory Corporation of America, LabCorp
Classification: Pathogenic for Beta-D-mannosidosis. Last evaluated: 2018-05-25. Review status: criteria provided, single submitter. Criteria: LabCorp Variant Classification Summary - May 2015. Collection method: clinical testing. Allele origin: germline.
Comment: Variant summary: MANBA c.693G>A (p.Trp231X) results in a premature termination codon, predicted to cause a truncation of the encoded protein or absence of the protein due to nonsense mediated decay, which are commonly known mechanisms for disease. The variant allele was found at a frequency of 2.3e-05 in 265406 control chromosomes. This frequency is lower than expected for a pathogenic variant in MANBA causing Beta-Mannosidosis (2.3e-05 vs 0.0011), allowing no conclusion about variant significance. c.693G>A has been reported in the literature in individuals affected with Beta-Mannosidosis. These data indicate that the variant may be associated with disease. At least one publication reports experimental evidence evaluating an impact on protein function. The most pronounced variant effect results in <10% of normal activity. No clinical diagnostic laboratories have submitted clinical-significance assessments for this variant to ClinVar after 2014. Based on the evidence outlined above, the variant was classified as pathogenic.

Literature cited by the submitters: PubMed 9384606 (cited by Labcorp Genetics (formerly Invitae), Labcorp); PubMed 12468273 (cited by Labcorp Genetics (formerly Invitae), Labcorp); PubMed 17420068 (cited by Labcorp Genetics (formerly Invitae), Labcorp and Women's Health and Genetics/Laboratory Corporation of America, LabCorp); PubMed 18565776 (cited by Women's Health and Genetics/Laboratory Corporation of America, LabCorp); PubMed 22369051 (cited by Women's Health and Genetics/Laboratory Corporation of America, LabCorp); PubMed 19728872 (cited by Women's Health and Genetics/Laboratory Corporation of America, LabCorp).